The following is an entry in ClinVar:

ClinVar aggregate classification (germline): Uncertain significance. Review status: criteria provided, multiple submitters, no conflicts (2 of 4 stars). 3 submissions from 3 submitters: Uncertain significance (3). Last evaluated 2025-04-03.

Conditions:
PCDH15-related disorder. Also called: PCDH15-related disorders; PCDH15-related condition.
Inborn genetic diseases. Identifiers: MedGen C0950123, MeSH D030342.

gnomAD v4.1: 31 of 1,562,116 alleles (0.002%); highest among the groups gnomAD compares: East Asian, 0.055%; no homozygotes.

Submissions (3):

PreventionGenetics, part of Exact Sciences
Classification: Uncertain significance for PCDH15-related condition. Last evaluated: 2025-04-03. Review status: criteria provided, single submitter. Criteria: ACMG Guidelines, 2015. Collection method: clinical testing. Allele origin: germline.
Comment: The PCDH15 c.5083A>T variant is predicted to result in the amino acid substitution p.Met1695Leu. This variant is post-coding in the main transcript NM_033056:c.*12876A>T. To our knowledge, this variant has not been reported in the literature. This variant is reported in 0.12% of alleles in individuals of East Asian descent in gnomAD. Although we suspect that this variant may be benign, at this time, the clinical significance of this variant is uncertain due to the absence of conclusive functional and genetic evidence.

Blueprint Genetics
Classification: Uncertain significance. Last evaluated: 2024-10-23. Review status: criteria provided, single submitter. Criteria: ACMG Guidelines, 2015. Collection method: clinical testing. Allele origin: germline.

Ambry Genetics
Classification: Uncertain significance for Inborn genetic diseases. Last evaluated: 2024-04-22. Review status: criteria provided, single submitter. Criteria: Ambry Variant Classification Scheme 2023. Collection method: clinical testing. Allele origin: germline.

NM_001384140.1(PCDH15):c.4671+1574A>T

Gene: PCDH15 (protocadherin related 15; minus strand). Cytogenetic location: 10q21.1.
Variant type: single nucleotide variant.
Coding change: c.4671+1574A>T on transcript NM_001384140.1 (MANE Select); 1574 bases into the intron after coding-DNA position 4671, A replaced by T.
Molecular consequence: intron variant. On other transcripts: 3 prime UTR variant (1), missense variant (2).
Genome position (GRCh38, 1-based): chr10:53,808,982, T>A on the plus strand (A>T on the coding strand, the complement: PCDH15 is on the minus strand). VCF-style: chr10-53808982-T-A. GRCh37 (hg19) VCF-style: chr10-55568742-T-A.
Other names: c.*498A>T (NM_001142770.3); c.5062A>T, p.Met1688Leu (NM_001354411.2); c.4476+1574A>T (NM_001354420.2); c.4605+1574A>T (NM_001354429.2); c.4482+1574A>T (NM_001142772.2); c.4497+1574A>T (NM_001142771.2); c.5083A>T, p.Met1695Leu (NM_001142769.4); short protein forms M1688L, M1695L.
Identifiers: ClinVar variation 3304577 (VCV003304577.3).